The following is an entry in ClinVar:

ClinVar aggregate classification (germline): Benign. Review status: criteria provided, multiple submitters, no conflicts (2 of 4 stars). 3 submissions from 3 submitters: Benign (2). 1 of the submissions does not count toward it. Last evaluated 2018-04-17.

Conditions:
AGAP2-related disorder. Also called: AGAP2-related condition.

Allele frequency attached by ClinVar (database versions not stated): ExAC 0.00087; gnomAD 0.00227 and 0.00232; ESP Exome Variant Server 0.00261; TOPMed 0.00265; 1000 Genomes Project 0.00319; 1000 Genomes Project 30x 0.00390; gnomAD exomes 0.00023 and 0.00068.
gnomAD v4.1: 691 of 1,614,088 alleles (0.043%); highest among the groups gnomAD compares: African/African-American, 0.78%; 1 homozygote.

Submissions (3):

Labcorp Genetics (formerly Invitae), Labcorp
Classification: Benign. Last evaluated: 2018-04-17. Review status: criteria provided, single submitter. Criteria: Invitae Variant Classification Sherloc (09022015). Collection method: clinical testing. Allele origin: germline.

Breakthrough Genomics
Classification: Benign. Review status: criteria provided, single submitter. Criteria: ACMG Guidelines, 2015. Collection method: not provided. Allele origin: germline. Inheritance: Unknown mechanism. Affected: yes.

PreventionGenetics, part of Exact Sciences
Classification: Benign for AGAP2-related condition. Last evaluated: 2019-07-10. Review status: no assertion criteria provided. Collection method: clinical testing. Allele origin: germline. Not counted in ClinVar's aggregate classification.
Comment: This variant is classified as benign based on ACMG/AMP sequence variant interpretation guidelines (Richards et al. 2015 PMID: 25741868, with internal and published modifications).

NM_001122772.3(AGAP2):c.1581G>A (p.Val527=)

Gene: AGAP2 (ArfGAP with GTPase domain, ankyrin repeat and PH domain 2; minus strand). Cytogenetic location: 12q14.1.
Variant type: single nucleotide variant.
Coding change: c.1581G>A on transcript NM_001122772.3 (MANE Select); coding-DNA position 1581, G replaced by A.
Protein change: p.Val527=; no amino-acid change (valine 527 retained).
Molecular consequence: synonymous variant.
Genome position (GRCh38, 1-based): chr12:57,732,948, C>T on the plus strand (G>A on the coding strand, the complement: AGAP2 is on the minus strand). VCF-style: chr12-57732948-C-T. GRCh37 (hg19) VCF-style: chr12-58126731-C-T.
Other names: c.573G>A, p.Val191= (NM_014770.4).
Identifiers: ClinVar variation 725324 (VCV000725324.6), dbSNP rs115767833, ClinGen allele CA6657060.